The following is an entry in ClinVar:

ClinVar aggregate classification (germline): Pathogenic/Likely pathogenic. Review status: criteria provided, multiple submitters, no conflicts (2 of 4 stars). 3 submissions from 3 submitters: Pathogenic (1); Likely pathogenic (1). 1 of the submissions does not count toward it. Last evaluated 2025-04-18.

Conditions:
MULTIPLE JOINT DISLOCATIONS, SHORT STATURE, AND CRANIOFACIAL DYSMORPHISM WITHOUT CONGENITAL HEART DEFECTS.
Larsen-like syndrome, B3GAT3 type. Also called: Multiple joint dislocations, short stature, craniofacial dysmorphism, with or without congenital heart defects; MULTIPLE JOINT DISLOCATIONS, SHORT STATURE, AND CRANIOFACIAL DYSMORPHISM WITH OR WITHOUT CONGENITAL HEART DEFECTS. Identifiers: Orphanet 284139, MedGen CN034159, MONDO:0009511, OMIM 245600.

Allele frequency attached by ClinVar (database versions not stated): TOPMed below 0.00001; ExAC 0.00001; gnomAD exomes 0.00001; gnomAD 0.00003; ESP Exome Variant Server 0.00008.
gnomAD v4.1: 13 of 1,613,878 alleles (0.00081%); highest among the groups gnomAD compares: South Asian, 0.0011%; no homozygotes.

Submissions (3):

Labcorp Genetics (formerly Invitae), Labcorp
Classification: Pathogenic for Larsen-like syndrome, B3GAT3 type. Last evaluated: 2025-04-18. Review status: criteria provided, single submitter. Criteria: Invitae Variant Classification Sherloc (09022015). Collection method: clinical testing. Allele origin: germline.
Comment: This sequence change creates a premature translational stop signal (p.Arg225*) in the B3GAT3 gene. It is expected to result in an absent or disrupted protein product. Loss-of-function variants in B3GAT3 are known to be pathogenic (PMID: 25893793, 27871226). This variant is present in population databases (rs377340567, gnomAD 0.01%). This premature translational stop signal has been observed in individual(s) with clinical features consistent with autosomal recessive multiple joint dislocations, short stature and craniofacial dysmorphism (PMID: 31988067). In at least one individual the data is consistent with being in trans (on the opposite chromosome) from a pathogenic variant. It has also been observed to segregate with disease in related individuals. ClinVar contains an entry for this variant (Variation ID: 620480). Algorithms developed to predict the effect of variants on gene product structure and function are not available or were not evaluated for this variant. Experimental studies have shown that this premature translational stop signal affects B3GAT3 function (PMID: 31988067). For these reasons, this variant has been classified as Pathogenic.

GeneDx
Classification: Likely pathogenic. Last evaluated: 2020-01-03. Review status: criteria provided, single submitter. Criteria: GeneDx Variant Classification Process June 2021. Collection method: clinical testing. Allele origin: germline. Affected: yes.
Comment: Has not been previously published as pathogenic or benign to our knowledge; Not observed at a significant frequency in large population cohorts (Lek et al., 2016); Nonsense variant predicted to result in protein truncation or nonsense mediated decay in a gene for which loss-of-function is a known mechanism of disease This variant is associated with the following publications: (PMID: 31988067)

OMIM
Classification: Pathogenic for MULTIPLE JOINT DISLOCATIONS, SHORT STATURE, AND CRANIOFACIAL DYSMORPHISM WITHOUT CONGENITAL HEART DEFECTS. Last evaluated: 2020-10-19. Review status: no assertion criteria provided. Collection method: literature only. Allele origin: germline. Not counted in ClinVar's aggregate classification.

Literature cited by the submitters: PubMed 25893793 (cited by Labcorp Genetics (formerly Invitae), Labcorp); PubMed 27871226 (cited by Labcorp Genetics (formerly Invitae), Labcorp); PubMed 31988067 (cited by Labcorp Genetics (formerly Invitae), Labcorp and OMIM).

NM_012200.4(B3GAT3):c.673C>T (p.Arg225Ter)

Gene: B3GAT3 (beta-1,3-glucuronyltransferase 3; minus strand). Cytogenetic location: 11q12.3.
Variant type: single nucleotide variant.
Coding change: c.673C>T on transcript NM_012200.4 (MANE Select); coding-DNA position 673, C replaced by T.
Protein change: p.Arg225Ter; replaces arginine 225 with a stop codon.
Molecular consequence: nonsense. On other transcripts: non-coding transcript variant (1).
Genome position (GRCh38, 1-based): chr11:62,616,742, G>A on the plus strand (C>T on the coding strand, the complement: B3GAT3 is on the minus strand). VCF-style: chr11-62616742-G-A. GRCh37 (hg19) VCF-style: chr11-62384214-G-A.
Other names: B3GAT3, ARG225TER; c.652C>T, p.Arg218Ter (NM_001288721.2); c.673C>T, p.Arg225Ter (NM_001288722.2, NM_001288723.2); short protein forms R225*, R218*.
Identifiers: ClinVar variation 620480 (VCV000620480.6), dbSNP rs377340567, ClinGen allele CA6050034.
Genomic context (GRCh38, chr11:62,616,742, plus strand): 5'-GCTCCCATGCTGTGTGGAAGCCCACTACCCGGCCGTCCTGTACCTGAGGGCCCTCGAATC[G>A]CAGGCCGCCCACCAGCCCCACAGGCCACACTGAGACACCACGGGTCCAGCGCATCTAACG-3'